The following is an entry in ClinVar:

ClinVar aggregate classification (germline): Likely pathogenic (1 of 4 stars; one submission).

Conditions:
Familial cancer of breast. Also called: Hereditary breast cancer; BREAST CANCER, FAMILIAL; hereditary breast carcinoma. Identifiers: Orphanet 227535, MedGen C0346153, MONDO:0016419, OMIM 114480. Disease mechanism: loss of function.

Submission:

Myriad Genetics, Inc.
Classification: Likely pathogenic for Familial cancer of breast. Last evaluated: 2023-09-13. Review status: criteria provided, single submitter. Criteria: Myriad Autosomal Dominant, Autosomal Recessive and X-Linked Classification Criteria (2023). Collection method: clinical testing. Allele origin: unknown.
Comment: This variant is considered likely pathogenic. This variant occurs within a consensus splice junction and is predicted to result in abnormal mRNA splicing of either an out-of-frame exon or an in-frame exon necessary for protein stability and/or normal function.

NM_024675.4(PALB2):c.2587-1G>A

Gene: PALB2 (partner and localizer of BRCA2; minus strand). Cytogenetic location: 16p12.2.
Variant type: single nucleotide variant.
Coding change: c.2587-1G>A on transcript NM_024675.4 (MANE Select); the canonical splice acceptor site of the intron before coding-DNA position 2587, G replaced by A.
Molecular consequence: splice acceptor variant. On other transcripts: intron variant (3).
Genome position (GRCh38, 1-based): chr16:23,626,398, C>T on the plus strand (G>A on the coding strand, the complement: PALB2 is on the minus strand). VCF-style: chr16-23626398-C-T. GRCh37 (hg19) VCF-style: chr16-23637719-C-T.
Other names: c.1702-1G>A (NM_001407308.1, NM_001407306.1, NM_001407309.1 and 4 more transcripts); c.121-1G>A (NM_001407314.1); c.799-1G>A (NM_001407313.1, NM_001407312.1); c.2527-1G>A (NM_001407296.1); c.2515-1G>A (NM_001407297.1); c.2587-2304G>A (NM_001407302.1, NM_001407298.1); c.2587-1G>A (NM_001407300.1, NM_001407299.1, NM_001407301.1); c.1702-2304G>A (NM_001407307.1).
Identifiers: ClinVar variation 2673823 (VCV002673823.1), dbSNP rs761214886, ClinGen allele CA395122286.